The following is an entry in ClinVar:

ClinVar aggregate classification (germline): Uncertain significance (1 of 4 stars; one submission).

gnomAD v4.1: 2 of 1,559,938 alleles (0.00013%); highest among the groups gnomAD compares: Non-Finnish European, 0.000086%; no homozygotes.

Submission:

Dasa
Classification: Uncertain significance. Last evaluated: 2025-10-25. Review status: criteria provided, single submitter. Criteria: DASA Assertion Criteria. Collection method: clinical testing. Allele origin: germline.
Comment: NM_006218.4(PIK3CA):c.1252-10G>T is a splice-region variant. This variant is rare in population databases. Computational prediction algorithms are consistent with a benign effect. The currently available literature and clinical evidence are not sufficient to establish a definitive association between this variant and the reported condition. Therefore, this variant is classified as a variant of uncertain significance.

NM_006218.4(PIK3CA):c.1252-10G>T

Gene: PIK3CA (phosphatidylinositol-4,5-bisphosphate 3-kinase catalytic subunit alpha; plus strand). Cytogenetic location: 3q26.32.
Variant type: single nucleotide variant.
Coding change: c.1252-10G>T on transcript NM_006218.4 (MANE Select); 10 bases into the intron before coding-DNA position 1252, G replaced by T.
Molecular consequence: intron variant.
Genome position (GRCh38, 1-based): chr3:179,210,176, G>T. VCF-style: chr3-179210176-G-T. GRCh37 (hg19) VCF-style: chr3-178927964-G-T.
Identifiers: ClinVar variation 4885416 (VCV004885416.2).